The following is an entry in ClinVar:

ClinVar aggregate classification (germline): Likely benign (0 of 4 stars; one submission).

Conditions:
TTC28-related disorder. Also called: TTC28-related condition.

Allele frequency attached by ClinVar (database versions not stated): gnomAD exomes 0.00001.
gnomAD v4.1: 8 of 1,551,662 alleles (0.00052%); highest among the groups gnomAD compares: African/African-American, 0.0082%; no homozygotes.

Submission:

PreventionGenetics, part of Exact Sciences
Classification: Likely benign for TTC28-related condition. Last evaluated: 2023-04-26. Review status: no assertion criteria provided. Collection method: clinical testing. Allele origin: germline.
Comment: This variant is classified as likely benign based on ACMG/AMP sequence variant interpretation guidelines (Richards et al. 2015 PMID: 25741868, with internal and published modifications).

NM_001145418.2(TTC28):c.3375C>T (p.Leu1125=)

Gene: TTC28 (tetratricopeptide repeat domain 28; minus strand). Cytogenetic location: 22q12.1.
Variant type: single nucleotide variant.
Coding change: c.3375C>T on transcript NM_001145418.2 (MANE Select); coding-DNA position 3375, C replaced by T.
Protein change: p.Leu1125=; no amino-acid change (leucine 1125 retained).
Molecular consequence: synonymous variant.
Genome position (GRCh38, 1-based): chr22:28,101,213, G>A on the plus strand (C>T on the coding strand, the complement: TTC28 is on the minus strand). VCF-style: chr22-28101213-G-A. GRCh37 (hg19) VCF-style: chr22-28497201-G-A.
Other names: c.3375C>T, p.Leu1125= (NM_001393403.1); c.3021C>T, p.Leu1007= (NM_001393404.1, NM_001393405.1).
Identifiers: ClinVar variation 3032467 (VCV003032467.2), dbSNP rs1942141669, ClinGen allele CA514143362.